The following is an entry in ClinVar:

NM_005732.4(RAD50):c.967G>A (p.Val323Ile)

Gene: RAD50 (RAD50 double strand break repair protein; plus strand). Cytogenetic location: 5q31.1.
Variant type: single nucleotide variant.
Coding change: c.967G>A on transcript NM_005732.4 (MANE Select); coding-DNA position 967, G replaced by A.
Protein change: p.Val323Ile; replaces valine 323 with isoleucine.
Molecular consequence: missense variant.
Genome position (GRCh38, 1-based): chr5:132,588,005, G>A. VCF-style: chr5-132588005-G-A. GRCh37 (hg19) VCF-style: chr5-131923697-G-A.
Other names: short protein forms V323I.
Identifiers: ClinVar variation 1767773 (VCV001767773.2), dbSNP rs769084133, ClinGen allele CA360941180.

ClinVar aggregate classification (germline): Uncertain significance (1 of 4 stars; one submission).

Conditions:
Hereditary cancer-predisposing syndrome. Also called: Hereditary Cancer Syndrome; Hereditary neoplastic syndrome; Neoplastic Syndromes, Hereditary; Tumor predisposition. Identifiers: Orphanet 140162, MedGen C0027672, MeSH D009386, MONDO:0015356.

Submission:

Ambry Genetics
Classification: Uncertain significance for Hereditary cancer-predisposing syndrome. Last evaluated: 2022-02-05. Review status: criteria provided, single submitter. Criteria: Ambry Variant Classification Scheme 2023. Collection method: clinical testing. Allele origin: germline.
Comment: The p.V323I variant (also known as c.967G>A), located in coding exon 7 of the RAD50 gene, results from a G to A substitution at nucleotide position 967. The valine at codon 323 is replaced by isoleucine, an amino acid with highly similar properties. This amino acid position is conserved. In addition, this alteration is predicted to be tolerated by in silico analysis. Since supporting evidence is limited at this time, the clinical significance of this alteration remains unclear.